The following is an entry in ClinVar:

NM_004336.5(BUB1):c.2393T>C (p.Phe798Ser)

Gene: BUB1 (BUB1 mitotic checkpoint serine/threonine kinase; minus strand). Cytogenetic location: 2q13.
Variant type: single nucleotide variant.
Coding change: c.2393T>C on transcript NM_004336.5 (MANE Select); coding-DNA position 2393, T replaced by C.
Protein change: p.Phe798Ser; replaces phenylalanine 798 with serine.
Molecular consequence: missense variant.
Genome position (GRCh38, 1-based): chr2:110,642,189, A>G on the plus strand (T>C on the coding strand, the complement: BUB1 is on the minus strand). VCF-style: chr2-110642189-A-G. GRCh37 (hg19) VCF-style: chr2-111399766-A-G.
Other names: c.2333T>C, p.Phe778Ser (NM_001278616.2); c.2393T>C, p.Phe798Ser (NM_001278617.2); short protein forms F778S, F798S.
Identifiers: ClinVar variation 1790592 (VCV001790592.2), dbSNP rs2467973524, ClinGen allele CA348090981.

ClinVar aggregate classification (germline): Uncertain significance (1 of 4 stars; one submission).

Allele frequency attached by ClinVar (database versions not stated): gnomAD exomes below 0.00001.
gnomAD v4.1: 3 of 1,613,790 alleles (0.00019%); highest among the groups gnomAD compares: Non-Finnish European, 0.00025%; no homozygotes.

Submission:

Ambry Genetics
Classification: Uncertain significance. Last evaluated: 2022-08-11. Review status: criteria provided, single submitter. Criteria: Ambry Variant Classification Scheme 2023. Collection method: clinical testing. Allele origin: germline.
Comment: The p.F798S variant (also known as c.2393T>C), located in coding exon 20 of the BUB1 gene, results from a T to C substitution at nucleotide position 2393. The phenylalanine at codon 798 is replaced by serine, an amino acid with highly dissimilar properties. This amino acid position is conserved. In addition, this alteration is predicted to be deleterious by in silico analysis. Since supporting evidence is limited at this time, the clinical significance of this alteration remains unclear.